The following is an entry in ClinVar:

NM_198578.4(LRRK2):c.7204A>G (p.Lys2402Glu)

Gene: LRRK2 (leucine rich repeat kinase 2; plus strand). Cytogenetic location: 12q12.
Variant type: single nucleotide variant.
Coding change: c.7204A>G on transcript NM_198578.4 (MANE Select); coding-DNA position 7204, A replaced by G.
Protein change: p.Lys2402Glu; replaces lysine 2402 with glutamic acid.
Molecular consequence: missense variant.
Genome position (GRCh38, 1-based): chr12:40,364,864, A>G. VCF-style: chr12-40364864-A-G. GRCh37 (hg19) VCF-style: chr12-40758666-A-G.
Other names: short protein forms K2402E.
Identifiers: ClinVar variation 3540645 (VCV003540645.1).

ClinVar aggregate classification (germline): Uncertain significance (1 of 4 stars; one submission).

Conditions:
Inborn genetic diseases. Identifiers: MedGen C0950123, MeSH D030342.

gnomAD v4.1: 4 of 1,612,012 alleles (0.00025%); highest among the groups gnomAD compares: Non-Finnish European, 0.00034%; no homozygotes.

Submission:

Ambry Genetics
Classification: Uncertain significance for Inborn genetic diseases. Last evaluated: 2024-08-28. Review status: criteria provided, single submitter. Criteria: Ambry Variant Classification Scheme 2023. Collection method: clinical testing. Allele origin: germline.
Comment: The p.K2402E variant (also known as c.7204A>G), located in coding exon 49 of the LRRK2 gene, results from an A to G substitution at nucleotide position 7204. The lysine at codon 2402 is replaced by glutamic acid, an amino acid with similar properties. This amino acid position is conserved. In addition, this alteration is predicted to be tolerated by in silico analysis. Based on the available evidence, the clinical significance of this variant remains unclear.